The following is an entry in ClinVar:

NM_001130823.3(DNMT1):c.4032G>A (p.Pro1344=)

Gene: DNMT1 (DNA methyltransferase 1; minus strand). Cytogenetic location: 19p13.2.
Variant type: single nucleotide variant.
Coding change: c.4032G>A on transcript NM_001130823.3 (MANE Select); coding-DNA position 4032, G replaced by A.
Protein change: p.Pro1344=; no amino-acid change (proline 1344 retained).
Molecular consequence: synonymous variant.
Genome position (GRCh38, 1-based): chr19:10,138,522, C>T on the plus strand (G>A on the coding strand, the complement: DNMT1 is on the minus strand). VCF-style: chr19-10138522-C-T. GRCh37 (hg19) VCF-style: chr19-10249198-C-T.
Other names: c.4032G>A (LRG_362t1, NM_001130823.2); c.3984G>A, p.Pro1328= (NM_001318730.2, NM_001379.4); c.3669G>A, p.Pro1223= (NM_001318731.2).
Identifiers: ClinVar variation 387825 (VCV000387825.38), dbSNP rs150774582, ClinGen allele CA9187608.

ClinVar aggregate classification (germline): Benign/Likely benign. Review status: criteria provided, multiple submitters, no conflicts (2 of 4 stars). 4 submissions from 4 submitters: Benign (1); Likely benign (3). Last evaluated 2025-12-29.

Conditions:
DNMT1-related disorder. Also called: DNMT1-related condition. Identifiers: MedGen CN381527.
Hereditary sensory neuropathy-deafness-dementia syndrome. Also called: HSN IE; Hereditary sensory neuropathy type IE; Hereditary Sensory and Autonomic Neuropathy Type 1E (HSAN1E); NEUROPATHY, HEREDITARY SENSORY, WITH HEARING LOSS AND DEMENTIA. Identifiers: Orphanet 456318, MedGen C3279885, MONDO:0013584, OMIM 614116.

Allele frequency attached by ClinVar (database versions not stated): ExAC 0.00003; gnomAD exomes 0.00003 and 0.00004; TOPMed 0.00006; gnomAD 0.00009; ESP Exome Variant Server 0.00015; 1000 Genomes Project 30x 0.00016; 1000 Genomes Project 0.00020.
gnomAD v4.1: 53 of 1,613,192 alleles (0.0033%); highest among the groups gnomAD compares: Middle Eastern, 0.033%; no homozygotes.

Submissions (4):

PreventionGenetics, part of Exact Sciences
Classification: Likely benign for DNMT1-related condition. Last evaluated: 2025-12-29. Review status: criteria provided, single submitter. Criteria: ACMG Guidelines, 2015. Collection method: clinical testing. Allele origin: germline.
Comment: This variant is classified as likely benign based on ACMG/AMP sequence variant interpretation guidelines (Richards et al. 2015 PMID: 25741868, with internal and published modifications).

Labcorp Genetics (formerly Invitae), Labcorp
Classification: Benign for Hereditary sensory neuropathy-deafness-dementia syndrome. Last evaluated: 2025-11-02. Review status: criteria provided, single submitter. Criteria: Invitae Variant Classification Sherloc (09022015). Collection method: clinical testing. Allele origin: germline.

CeGaT Center for Human Genetics Tuebingen
Classification: Likely benign. Last evaluated: 2022-09-01. Review status: criteria provided, single submitter. Criteria: CeGaT Center For Human Genetics Tuebingen Variant Classification Criteria Version 2. Collection method: clinical testing. Allele origin: germline. Affected: yes. Observed: 1 variant allele.
Comment: DNMT1: BP4, BP7

GeneDx
Classification: Likely benign. Last evaluated: 2018-09-06. Review status: criteria provided, single submitter. Criteria: GeneDx Variant Classification Process June 2021. Collection method: clinical testing. Allele origin: germline. Affected: yes.